The following is an entry in ClinVar:

NM_018671.5(UNC45A):c.1592G>A (p.Arg531Gln)

Gene: UNC45A (unc-45 myosin chaperone A; plus strand). Cytogenetic location: 15q26.1.
Variant type: single nucleotide variant.
Coding change: c.1592G>A on transcript NM_018671.5 (MANE Select); coding-DNA position 1592, G replaced by A.
Protein change: p.Arg531Gln; replaces arginine 531 with glutamine.
Molecular consequence: missense variant.
Genome position (GRCh38, 1-based): chr15:90,947,887, G>A. VCF-style: chr15-90947887-G-A. GRCh37 (hg19) VCF-style: chr15-91491117-G-A.
Other names: c.1547G>A, p.Arg516Gln (NM_001039675.2, NM_001323621.2); c.1592G>A, p.Arg531Gln (NM_001323619.1); c.1157G>A, p.Arg386Gln (NM_001323620.2); short protein forms R386Q, R516Q, R531Q.
Identifiers: ClinVar variation 1424245 (VCV001424245.3), dbSNP rs201720293, ClinGen allele CA7742962.

ClinVar aggregate classification (germline): Uncertain significance (1 of 4 stars; one submission).

Allele frequency attached by ClinVar (database versions not stated): 1000 Genomes Project 30x 0.00016; 1000 Genomes Project 0.00020; ESP Exome Variant Server 0.00031; gnomAD 0.00036 and 0.00040.
gnomAD v4.1: 310 of 1,613,150 alleles (0.019%); highest among the groups gnomAD compares: Admixed American, 0.12%; no homozygotes.

Submission:

Labcorp Genetics (formerly Invitae), Labcorp
Classification: Uncertain significance. Last evaluated: 2022-09-01. Review status: criteria provided, single submitter. Criteria: Invitae Variant Classification Sherloc (09022015). Collection method: clinical testing. Allele origin: germline.
Comment: This sequence change replaces arginine, which is basic and polar, with glutamine, which is neutral and polar, at codon 531 of the UNC45A protein (p.Arg531Gln). The frequency data for this variant in the population databases is considered unreliable, as metrics indicate poor data quality at this position in the gnomAD database. This variant has not been reported in the literature in individuals affected with UNC45A-related conditions. ClinVar contains an entry for this variant (Variation ID: 1424245). Experimental studies and prediction algorithms are not available or were not evaluated, and the functional significance of this variant is currently unknown. In summary, the available evidence is currently insufficient to determine the role of this variant in disease. Therefore, it has been classified as a Variant of Uncertain Significance.